The following is an entry in ClinVar:

NM_153717.3(EVC):c.49G>T (p.Gly17Trp)

Gene: EVC (EvC ciliary complex subunit 1; plus strand). Cytogenetic location: 4p16.2.
Variant type: single nucleotide variant.
Coding change: c.49G>T on transcript NM_153717.3 (MANE Select); coding-DNA position 49, G replaced by T.
Protein change: p.Gly17Trp; replaces glycine 17 with tryptophan.
Molecular consequence: missense variant.
Genome position (GRCh38, 1-based): chr4:5,711,429, G>T. VCF-style: chr4-5711429-G-T. GRCh37 (hg19) VCF-style: chr4-5713156-G-T.
Other names: c.49G>T, p.Gly17Trp (NM_001306090.2, NM_001306092.2); short protein forms G17W.
Identifiers: ClinVar variation 2143219 (VCV002143219.1), dbSNP rs1722991667, ClinGen allele CA356156365.

ClinVar aggregate classification (germline): Uncertain significance (1 of 4 stars; one submission).

Conditions:
Ellis-van Creveld syndrome (EVC). Also called: Chondroectodermal dysplasia; EVC-Related Ellis-van Creveld Syndrome; EVC2-Related Ellis-van Creveld Syndrome; MESOECTODERMAL DYSPLASIA. Identifiers: Orphanet 289, MedGen C0013903, MONDO:0009162, OMIM 225500.
Curry-Hall syndrome (WAD). Also called: WEYERS ACRODENTAL DYSOSTOSIS. Identifiers: Orphanet 952, MedGen C0457013, MONDO:0008673, OMIM 193530.

Submission:

Labcorp Genetics (formerly Invitae), Labcorp
Classification: Uncertain significance for Curry-Hall syndrome; Ellis-van Creveld syndrome. Last evaluated: 2021-06-11. Review status: criteria provided, single submitter. Criteria: Invitae Variant Classification Sherloc (09022015). Collection method: clinical testing. Allele origin: germline.
Comment: This sequence change replaces glycine with tryptophan at codon 17 of the EVC protein (p.Gly17Trp). The glycine residue is weakly conserved and there is a large physicochemical difference between glycine and tryptophan. The frequency data for this variant in the population databases is considered unreliable, as metrics indicate insufficient coverage at this position in the ExAC database. This variant has not been reported in the literature in individuals with EVC-related disease. Algorithms developed to predict the effect of missense changes on protein structure and function are either unavailable or do not agree on the potential impact of this missense change (SIFT: "Tolerated"; PolyPhen-2: "Probably Damaging"; Align-GVGD: "Class C0"). In summary, the available evidence is currently insufficient to determine the role of this variant in disease. Therefore, it has been classified as a Variant of Uncertain Significance.